The following is an entry in ClinVar:

ClinVar aggregate classification (germline): Conflicting classifications of pathogenicity. Review status: criteria provided, conflicting classifications (1 of 4 stars). 9 submissions from 9 submitters: Uncertain significance (5); Likely benign (1). 3 of the submissions do not count toward it. Last evaluated 2025-12-03.

Conditions:
Hereditary cancer-predisposing syndrome. Also called: Hereditary Cancer Syndrome; Tumor predisposition; Neoplastic Syndromes, Hereditary; Hereditary neoplastic syndrome. Identifiers: Orphanet 140162, MedGen C0027672, MeSH D009386, MONDO:0015356.
Ataxia-telangiectasia syndrome (AT). Also called: ATAXIA-TELANGIECTASIA, COMPLEMENTATION GROUP A; ATAXIA-TELANGIECTASIA, FRESNO VARIANT; Ataxia-telangiectasia; Ataxia-telangiectasia, complementation group E; Cerebello-oculocutaneous telangiectasia; Immunodeficiency with ataxia telangiectasia. Identifiers: Orphanet 100, MedGen C0004135, MONDO:0008840, OMIM 208900.
Familial cancer of breast. Also called: hereditary breast carcinoma; BREAST CANCER, FAMILIAL; Hereditary breast cancer. Identifiers: Orphanet 227535, MedGen C0346153, MONDO:0016419, OMIM 114480. Disease mechanism: loss of function.

Allele frequency attached by ClinVar (database versions not stated): TOPMed below 0.00001; gnomAD exomes below 0.00001; ExAC 0.00001; ESP Exome Variant Server 0.00008.
gnomAD v4.1: 3 of 1,614,206 alleles (0.00019%); highest among the groups gnomAD compares: Non-Finnish European, 0.00017%; no homozygotes.

Submissions (9):

Labcorp Genetics (formerly Invitae), Labcorp
Classification: Uncertain significance for Ataxia-telangiectasia syndrome. Last evaluated: 2025-12-03. Review status: criteria provided, single submitter. Criteria: Invitae Variant Classification Sherloc (09022015). Collection method: clinical testing. Allele origin: germline.
Comment: This sequence change replaces asparagine, which is neutral and polar, with serine, which is neutral and polar, at codon 3003 of the ATM protein (p.Asn3003Ser). This variant is not present in population databases (gnomAD no frequency). This missense change has been observed in individual(s) with breast cancer and/or melanoma (PMID: 19781682, 29036293, 36672847). This missense change has been observed to co-occur in individuals with a different variant in ATM that has been determined to be pathogenic (internal data), but the significance of this finding is unclear. ClinVar contains an entry for this variant (Variation ID: 181905). Invitae Evidence Modeling of protein sequence and biophysical properties (such as structural, functional, and spatial information, amino acid conservation, physicochemical variation, residue mobility, and thermodynamic stability) has been performed for this missense variant. However, the output from this modeling did not meet the statistical confidence thresholds required to predict the impact of this variant on ATM protein function. In summary, the available evidence is currently insufficient to determine the role of this variant in disease. Therefore, it has been classified as a Variant of Uncertain Significance.

Color Diagnostics, LLC DBA Color Health
Classification: Uncertain significance for Hereditary cancer-predisposing syndrome. Last evaluated: 2025-10-30. Review status: criteria provided, single submitter. Criteria: ACMG Guidelines, 2015. Collection method: clinical testing. Allele origin: germline.
Comment: This missense variant replaces asparagine with serine at codon 3003 of the ATM protein. Computational prediction suggests that this variant may not impact protein structure and function. To our knowledge, functional studies have not been reported for this variant. This variant has been reported in individuals affected with breast cancer or melanoma (PMID: 19781682, 29036293, 33471991, 36672847). This variant has been identified in 1/251418 chromosomes in the general population by the Genome Aggregation Database (gnomAD). The available evidence is insufficient to determine the role of this variant in disease conclusively. Therefore, this variant is classified as a Variant of Uncertain Significance.

GeneDx
Classification: Uncertain significance. Last evaluated: 2025-01-26. Review status: criteria provided, single submitter. Criteria: GeneDx Variant Classification Process June 2021. Collection method: clinical testing. Allele origin: germline. Affected: yes.
Comment: Not observed at significant frequency in large population cohorts (gnomAD); In silico analysis supports that this missense variant has a deleterious effect on protein structure/function; Observed in individuals with breast cancer, leukemia, or melanoma (PMID: 19781682, 26898890, 29036293, 28196983, 34262154); Identified in an individual with breast cancer who was also reported to harbor truncating variants in other breast cancer-related genes, including an ATM variant, but it is not known whether the ATM variants occurred on the same allele (in cis) or on opposite (in trans) alleles (PMID: 36672847); This variant is associated with the following publications: (PMID: 19781682, 26898890, 21787400, 28196983, 29036293, 23532176, 34262154, 36672847)

Blueprint Genetics
Classification: Uncertain significance. Last evaluated: 2024-09-20. Review status: criteria provided, single submitter. Criteria: ACMG Guidelines, 2015. Collection method: clinical testing. Allele origin: germline.

Baylor Genetics
Classification: Uncertain significance for Familial cancer of breast. Last evaluated: 2024-03-05. Review status: criteria provided, single submitter. Criteria: ACMG Guidelines, 2015. Collection method: clinical testing. Allele origin: unknown.

Ambry Genetics
Classification: Likely benign for Hereditary cancer-predisposing syndrome. Last evaluated: 2024-02-22. Review status: criteria provided, single submitter. Criteria: Ambry Variant Classification Scheme 2023. Collection method: clinical testing. Allele origin: germline.

Natera, Inc.
Classification: Uncertain significance for Ataxia-telangiectasia. Last evaluated: 2020-09-16. Review status: no assertion criteria provided. Collection method: clinical testing. Allele origin: germline. Not counted in ClinVar's aggregate classification.

True Health Diagnostics
Classification: Uncertain significance for Hereditary cancer-predisposing syndrome. Last evaluated: 2017-12-08. Review status: no assertion criteria provided. Collection method: clinical testing. Allele origin: germline. Not counted in ClinVar's aggregate classification.

Counsyl
Classification: Uncertain significance for Ataxia-telangiectasia syndrome. Last evaluated: 2017-06-02. Review status: no assertion criteria provided. Collection method: clinical testing. Allele origin: unknown. Not counted in ClinVar's aggregate classification.

Literature cited by the submitters: PubMed 19781682 (cited by 3 submitters); PubMed 29036293 (cited by Labcorp Genetics (formerly Invitae), Labcorp and Color Diagnostics, LLC DBA Color Health); PubMed 36672847 (cited by Labcorp Genetics (formerly Invitae), Labcorp and Color Diagnostics, LLC DBA Color Health); PubMed 33471991 (cited by Color Diagnostics, LLC DBA Color Health and Ambry Genetics); PubMed 21787400 (cited by Ambry Genetics); PubMed 26898890 (cited by Ambry Genetics).

NM_000051.4(ATM):c.9008A>G (p.Asn3003Ser)

Genes: ATM (ATM serine/threonine kinase; plus strand), C11orf65 (chromosome 11 open reading frame 65; minus strand). Cytogenetic location: 11q22.3.
Variant type: single nucleotide variant.
Coding change: c.9008A>G on transcript NM_000051.4 (MANE Select); coding-DNA position 9008, A replaced by G.
Protein change: p.Asn3003Ser; replaces asparagine 3003 with serine.
Molecular consequence: missense variant. On other transcripts: intron variant (2).
Genome position (GRCh38, 1-based): chr11:108,365,345, A>G. VCF-style: chr11-108365345-A-G. GRCh37 (hg19) VCF-style: chr11-108236072-A-G.
Other names: p.N3003S:AAC>AGC; c.9008A>G, p.Asn3003Ser (NM_001351834.2); c.640+20575T>C (NM_001330368.2); c.694+20575T>C (NM_001351110.2); short protein forms N3003S.
Identifiers: ClinVar variation 181905 (VCV000181905.27), dbSNP rs144636562, ClinGen allele CA298099.